The following is an entry in ClinVar:

ClinVar aggregate classification (germline): Uncertain significance. Review status: criteria provided, multiple submitters, no conflicts (2 of 4 stars). 2 submissions from 2 submitters: Uncertain significance (2). Last evaluated 2025-06-19.

Conditions:
TECTA-related disorder. Also called: TECTA-related condition.

Allele frequency attached by ClinVar (database versions not stated): TOPMed 0.00001; ExAC 0.00002; gnomAD exomes 0.00002 and 0.00004; gnomAD 0.00001.
gnomAD v4.1: 27 of 1,614,012 alleles (0.0017%); highest among the groups gnomAD compares: African/African-American, 0.0067%; no homozygotes.

Submissions (2):

PreventionGenetics, part of Exact Sciences
Classification: Uncertain significance for TECTA-related condition. Last evaluated: 2025-06-19. Review status: criteria provided, single submitter. Criteria: ACMG Guidelines, 2015. Collection method: clinical testing. Allele origin: germline.
Comment: The TECTA c.4879G>A variant is predicted to result in the amino acid substitution p.Gly1627Arg. To our knowledge, this variant has not been reported in the literature. This variant is reported in 0.018% of alleles in individuals of African descent in gnomAD. At this time, the clinical significance of this variant is uncertain due to the absence of conclusive functional and genetic evidence.

Eurofins Ntd Llc (ga)
Classification: Uncertain significance. Last evaluated: 2018-09-07. Review status: criteria provided, single submitter. Criteria: EGL ClinVar v180209 classification definitions. Collection method: clinical testing. Allele origin: germline. Observed: 1 variant allele, 1 heterozygote.

NM_005422.4(TECTA):c.4879G>A (p.Gly1627Arg)

Genes: TBCEL-TECTA (TBCEL-TECTA readthrough; plus strand), TECTA (tectorin alpha; plus strand). Cytogenetic location: 11q23.3.
Variant type: single nucleotide variant.
Coding change: c.4879G>A on transcript NM_005422.4 (MANE Select); coding-DNA position 4879, G replaced by A.
Protein change: p.Gly1627Arg; replaces glycine 1627 with arginine.
Molecular consequence: missense variant.
Genome position (GRCh38, 1-based): chr11:121,160,324, G>A. VCF-style: chr11-121160324-G-A. GRCh37 (hg19) VCF-style: chr11-121031033-G-A.
Other names: c.4879G>A (NM_005422.2); c.5836G>A, p.Gly1946Arg (NM_001378761.1); short protein forms G1627R, G1946R.
Identifiers: ClinVar variation 286508 (VCV000286508.6), dbSNP rs754784487, ClinGen allele CA6327593.